The following is an entry in ClinVar:

ClinVar aggregate classification (germline): Pathogenic. Review status: criteria provided, multiple submitters, no conflicts (2 of 4 stars). 5 submissions from 5 submitters: Pathogenic (4). 1 of the submissions does not count toward it. Last evaluated 2025-06-30.

Conditions:
Alport syndrome. Also called: Hemorrhagic familial nephritis; Hemorrhagic hereditary nephritis; Congenital hereditary hematuria. Identifiers: Orphanet 63, MedGen C1567741, MONDO:0018965.
X-linked Alport syndrome (ATS1). Also called: NEPHROPATHY AND DEAFNESS, X-LINKED; COL4A5-Related Nephropathy. Identifiers: Orphanet 63, Orphanet 88917, MedGen C4746986, MONDO:0010520, OMIM 301050.

Submissions (5):

Natera, Inc.
Classification: Pathogenic for X-linked Alport syndrome. Last evaluated: 2025-06-30. Review status: criteria provided, single submitter. Criteria: Natera Variant Classification Schema (03/2026). Collection method: clinical testing. Allele origin: germline.
Comment: The c.4687C>T variant in COL4A5 is a nonsense variant predicted to introduce a stop codon at amino acid 1563. This variant is expected to result in nonsense mediated decay, truncation, or a dysfunctional protein product. This variant is rare in the general population with a frequency below the threshold expected for the associated phenotype(s). This variant has been observed in affected individual(s) with monoallelic occurrence (heterozygous/hemizygous) (PMID: 29270492). Functional studies show that this variant may disrupt protein function (PMID: 18083113). Given the available evidence, this variant is classified as Pathogenic.

Labcorp Genetics (formerly Invitae), Labcorp
Classification: Pathogenic. Last evaluated: 2024-10-30. Review status: criteria provided, single submitter. Criteria: Invitae Variant Classification Sherloc (09022015). Collection method: clinical testing. Allele origin: germline.
Comment: This sequence change creates a premature translational stop signal (p.Arg1563*) in the COL4A5 gene. It is expected to result in an absent or disrupted protein product. Loss-of-function variants in COL4A5 are known to be pathogenic (PMID: 9195222, 10752524, 14514738, 24854265, 26809805). This variant is not present in population databases (gnomAD no frequency). This premature translational stop signal has been observed in individual(s) with Alport syndrome (PMID: 8455372, 29854973). ClinVar contains an entry for this variant (Variation ID: 24755). For these reasons, this variant has been classified as Pathogenic.

CeGaT Center for Human Genetics Tuebingen
Classification: Pathogenic. Last evaluated: 2023-08-01. Review status: criteria provided, single submitter. Criteria: CeGaT Center For Human Genetics Tuebingen Variant Classification Criteria Version 2. Collection method: clinical testing. Allele origin: germline. Affected: yes. Observed: 1 variant allele.
Comment: COL4A5: PVS1, PM2

GeneDx
Classification: Pathogenic. Last evaluated: 2017-01-25. Review status: criteria provided, single submitter. Criteria: GeneDx Variant Classification (06012015). Collection method: clinical testing. Allele origin: germline. Affected: yes.
Comment: The R1569X nonsense variant in the COL4A5 gene has been reported previously in association with Alport syndrome, including an apparently de novo occurrence (Zhou et al., 1993; Knebelmann et al., 1996). This pathogenic variant is predicted to cause loss of normal protein function either through protein truncation or nonsense-mediated mRNA decay. The R1569X variant was not observed in approximately 6,500 individuals of European and African American ancestry in the NHLBI Exome Sequencing Project, indicating it is not a common benign variant in these populations. Additionally, functional studies have shown that R1569X prevents the expression of a3, a4, and a5 collagen chains (Kobayashi et al., 2008). Therefore, we consider this variant to be pathogenic.

Sydney Genome Diagnostics, Children's Hospital Westmead
Classification: Pathogenic for Alport syndrome. Last evaluated: 2018-10-24. Review status: no assertion criteria provided. Collection method: clinical testing. Allele origin: unknown. Affected: yes. Observed: 1 variant allele, 1 heterozygote. Not counted in ClinVar's aggregate classification.
Comment: This variant (dbSNP: rs104886286) creates a premature stop codon p.(Arg1563*), and may result in a null allele due to nonsense-mediated mRNA decay. This variant is considered to be pathogenic, and has been previously reported in the COL4A5 database.

Literature cited by the submitters: PubMed 29270492 (cited by Natera, Inc.); PubMed 18083113 (cited by Natera, Inc.); PubMed 9195222 (cited by Labcorp Genetics (formerly Invitae), Labcorp); PubMed 10752524 (cited by Labcorp Genetics (formerly Invitae), Labcorp); PubMed 14514738 (cited by Labcorp Genetics (formerly Invitae), Labcorp); PubMed 24854265 (cited by Labcorp Genetics (formerly Invitae), Labcorp); PubMed 26809805 (cited by Labcorp Genetics (formerly Invitae), Labcorp); PubMed 8455372 (cited by Labcorp Genetics (formerly Invitae), Labcorp); PubMed 29854973 (cited by Labcorp Genetics (formerly Invitae), Labcorp).

NM_033380.3(COL4A5):c.4705C>T (p.Arg1569Ter)

Gene: COL4A5 (collagen type IV alpha 5 chain; plus strand). Cytogenetic location: Xq22.3.
Variant type: single nucleotide variant.
Coding change: c.4705C>T on transcript NM_033380.3 (MANE Select); coding-DNA position 4705, C replaced by T.
Protein change: p.Arg1569Ter; replaces arginine 1569 with a stop codon.
Molecular consequence: nonsense.
Genome position (GRCh38, 1-based): chrX:108,692,924, C>T. VCF-style: chrX-108692924-C-T. GRCh37 (hg19) VCF-style: chrX-107936154-C-T.
Other names: c.4687C>T, p.Arg1563Ter (NM_000495.5); short protein forms R1563*, R1569*.
Identifiers: ClinVar variation 24755 (VCV000024755.35), dbSNP rs104886286, ClinGen allele CA259080.